The following is an entry in ClinVar:

ClinVar aggregate classification (germline): Uncertain significance (1 of 4 stars; one submission).

Submission:

Labcorp Genetics (formerly Invitae), Labcorp
Classification: Uncertain significance. Last evaluated: 2023-08-10. Review status: criteria provided, single submitter. Criteria: Invitae Variant Classification Sherloc (09022015). Collection method: clinical testing. Allele origin: germline.
Comment: This variant is not present in population databases (gnomAD no frequency). This sequence change replaces lysine, which is basic and polar, with asparagine, which is neutral and polar, at codon 743 of the MYO18B protein (p.Lys743Asn). In summary, the available evidence is currently insufficient to determine the role of this variant in disease. Therefore, it has been classified as a Variant of Uncertain Significance. Algorithms developed to predict the effect of missense changes on protein structure and function output the following: SIFT: "Not Available"; PolyPhen-2: "Benign"; Align-GVGD: "Not Available". The asparagine amino acid residue is found in multiple mammalian species, which suggests that this missense change does not adversely affect protein function. ClinVar contains an entry for this variant (Variation ID: 2092091). This variant has not been reported in the literature in individuals affected with MYO18B-related conditions.

NM_032608.7(MYO18B):c.2229G>T (p.Lys743Asn)

Gene: MYO18B (myosin XVIIIB; plus strand). Cytogenetic location: 22q12.1.
Variant type: single nucleotide variant.
Coding change: c.2229G>T on transcript NM_032608.7 (MANE Select); coding-DNA position 2229, G replaced by T.
Protein change: p.Lys743Asn; replaces lysine 743 with asparagine.
Molecular consequence: missense variant.
Genome position (GRCh38, 1-based): chr22:25,781,751, G>T. VCF-style: chr22-25781751-G-T. GRCh37 (hg19) VCF-style: chr22-26177718-G-T.
Other names: c.2229G>T, p.Lys743Asn (NM_001318245.2); short protein forms K743N.
Identifiers: ClinVar variation 2092091 (VCV002092091.4), dbSNP rs987644751, ClinGen allele CA322764969.